The following is an entry in ClinVar:

NM_001035.3(RYR2):c.9090C>G (p.Val3030=)

Gene: RYR2 (ryanodine receptor 2; plus strand). Cytogenetic location: 1q43.
Variant type: single nucleotide variant.
Coding change: c.9090C>G on transcript NM_001035.3 (MANE Select); coding-DNA position 9090, C replaced by G.
Protein change: p.Val3030=; no amino-acid change (valine 3030 retained).
Molecular consequence: synonymous variant.
Genome position (GRCh38, 1-based): chr1:237,698,987, C>G. VCF-style: chr1-237698987-C-G. GRCh37 (hg19) VCF-style: chr1-237862287-C-G.
Identifiers: ClinVar variation 1765746 (VCV001765746.4), dbSNP rs1434053141, ClinGen allele CA423822249.

ClinVar aggregate classification (germline): Likely benign. Review status: criteria provided, multiple submitters, no conflicts (2 of 4 stars). 3 submissions from 3 submitters: Likely benign (3). Last evaluated 2025-11-05.

Conditions:
Cardiovascular phenotype. Identifiers: MedGen CN230736.
Catecholaminergic polymorphic ventricular tachycardia (CVPT). Also called: Catecholamine-induced polymorphic ventricular tachycardia. Identifiers: Orphanet 3286, MedGen C5574922, MONDO:0017990.
Catecholaminergic polymorphic ventricular tachycardia 1. Also called: VENTRICULAR TACHYCARDIA, CATECHOLAMINERGIC POLYMORPHIC, 1, WITH OR WITHOUT ATRIAL DYSFUNCTION AND/OR DILATED CARDIOMYOPATHY; VENTRICULAR TACHYCARDIA, STRESS-INDUCED POLYMORPHIC 1; RYR2-Related Catecholaminergic Polymorphic Ventricular Tachycardia. Identifiers: Orphanet 3286, MedGen C1631597, MONDO:0011484, OMIM 604772.

Submissions (3):

Labcorp Genetics (formerly Invitae), Labcorp
Classification: Likely benign for Catecholaminergic polymorphic ventricular tachycardia 1. Last evaluated: 2025-11-05. Review status: criteria provided, single submitter. Criteria: Invitae Variant Classification Sherloc (09022015). Collection method: clinical testing. Allele origin: germline.

All of Us Research Program, National Institutes of Health
Classification: Likely benign for Catecholaminergic polymorphic ventricular tachycardia. Last evaluated: 2024-05-14. Review status: criteria provided, single submitter. Criteria: ACMG Guidelines, 2015. Collection method: clinical testing. Allele origin: germline. Inheritance: Autosomal dominant inheritance. Observed: 1 variant allele, 1 heterozygote.
Comment: This study involves interpretation of variants in research participants for the purpose of population health screening. Participant phenotype was not available at the time of variant classification. Additional details can be found in publication PMID: 35346344, PMCID: PMC8962531

Ambry Genetics
Classification: Likely benign for Cardiovascular phenotype. Last evaluated: 2021-10-24. Review status: criteria provided, single submitter. Criteria: Ambry Variant Classification Scheme 2023. Collection method: clinical testing. Allele origin: germline.